The following is an entry in ClinVar:

NM_212550.5(BLOC1S3):c.403G>C (p.Ala135Pro)

Gene: BLOC1S3 (biogenesis of lysosomal organelles complex 1 subunit 3; plus strand). Cytogenetic location: 19q13.32.
Variant type: single nucleotide variant.
Coding change: c.403G>C on transcript NM_212550.5 (MANE Select); coding-DNA position 403, G replaced by C.
Protein change: p.Ala135Pro; replaces alanine 135 with proline.
Molecular consequence: missense variant.
Genome position (GRCh38, 1-based): chr19:45,179,699, G>C. VCF-style: chr19-45179699-G-C. GRCh37 (hg19) VCF-style: chr19-45682957-G-C.
Other names: short protein forms A135P.
Identifiers: ClinVar variation 1493431 (VCV001493431.5), dbSNP rs777289165, ClinGen allele CA9510248.
Genomic context (GRCh38, chr19:45,179,699, plus strand): 5'-GAGAGCCAGGCGCGGCTGGACCACGACGTGGCGGCCGCCGTGAGCGGTGTCTACCGCCGT[G>C]CAGGCCGCGACGTGGCCGCCCTGGCTAGTAGGCTGGCGGCAGCCCAGGCGGCGGGGCTGG-3'
Protein context (NP_997715.1, residues 125-145): AAAVSGVYRR[Ala135Pro]GRDVAALASR

ClinVar aggregate classification (germline): Uncertain significance (1 of 4 stars; one submission).

Allele frequency attached by ClinVar (database versions not stated): gnomAD 0.00002 and 0.00003; gnomAD exomes 0.00002 and 0.00008; TOPMed 0.00002; ExAC 0.00011.
gnomAD v4.1: 32 of 1,461,798 alleles (0.0022%); highest among the groups gnomAD compares: Non-Finnish European, 0.00072%; no homozygotes.

Submission:

Labcorp Genetics (formerly Invitae), Labcorp
Classification: Uncertain significance. Last evaluated: 2025-10-06. Review status: criteria provided, single submitter. Criteria: Invitae Variant Classification Sherloc (09022015). Collection method: clinical testing. Allele origin: germline.
Comment: This sequence change replaces alanine, which is neutral and non-polar, with proline, which is neutral and non-polar, at codon 135 of the BLOC1S3 protein (p.Ala135Pro). This variant is present in population databases (rs777289165, gnomAD 0.08%). This variant has not been reported in the literature in individuals affected with BLOC1S3-related conditions. ClinVar contains an entry for this variant (Variation ID: 1493431). An algorithm developed to predict the effect of missense changes on protein structure and function (PolyPhen-2) suggests that this variant is likely to be disruptive. In summary, the available evidence is currently insufficient to determine the role of this variant in disease. Therefore, it has been classified as a Variant of Uncertain Significance.